The following is an entry in ClinVar:

NM_003900.5(SQSTM1):c.1021C>G (p.Leu341Val)

Gene: SQSTM1 (sequestosome 1; plus strand). Cytogenetic location: 5q35.3.
Variant type: single nucleotide variant.
Coding change: c.1021C>G on transcript NM_003900.5 (MANE Select); coding-DNA position 1021, C replaced by G.
Protein change: p.Leu341Val; replaces leucine 341 with valine.
Molecular consequence: missense variant.
Genome position (GRCh38, 1-based): chr5:179,833,638, C>G. VCF-style: chr5-179833638-C-G. GRCh37 (hg19) VCF-style: chr5-179260638-C-G.
Other names: c.769C>G, p.Leu257Val (NM_001142298.2, NM_001142299.2); short protein forms L257V, L341V.
Identifiers: ClinVar variation 3763770 (VCV003763770.2).

ClinVar aggregate classification (germline): Uncertain significance (1 of 4 stars; one submission).

Conditions:
Frontotemporal dementia and/or amyotrophic lateral sclerosis 1 (FTDALS1). Also called: C9orf72 Frontotemporal Dementia and/or Amyotrophic Lateral Sclerosis; Frontotemporal dementia with motor neuron disease 1. Identifiers: Orphanet 275872, MedGen C5779877, MONDO:0007105, OMIM 105550.
Paget disease of bone 2, early-onset (PDB2). Also called: Paget disease of bone 2. Identifiers: MedGen C4085251, MONDO:0011183, OMIM 602080.

gnomAD v4.1: 2 of 1,614,162 alleles (0.00012%); highest among the groups gnomAD compares: Non-Finnish European, 0.000085%; no homozygotes.

Submission:

Labcorp Genetics (formerly Invitae), Labcorp
Classification: Uncertain significance for Paget disease of bone 2, early-onset; Frontotemporal dementia and/or amyotrophic lateral sclerosis 1. Last evaluated: 2024-05-31. Review status: criteria provided, single submitter. Criteria: Invitae Variant Classification Sherloc (09022015). Collection method: clinical testing. Allele origin: germline.
Comment: This sequence change replaces leucine, which is neutral and non-polar, with valine, which is neutral and non-polar, at codon 341 of the SQSTM1 protein (p.Leu341Val). This variant is not present in population databases (gnomAD no frequency). This missense change has been observed in individual(s) with amyotrophic lateral sclerosis (PMID: 24138988). Advanced modeling of protein sequence and biophysical properties (such as structural, functional, and spatial information, amino acid conservation, physicochemical variation, residue mobility, and thermodynamic stability) performed at Invitae indicates that this missense variant is not expected to disrupt SQSTM1 protein function with a negative predictive value of 80%. Experimental studies have shown that this missense change affects SQSTM1 function (PMID: 27158844, 34929165). In summary, the available evidence is currently insufficient to determine the role of this variant in disease. Therefore, it has been classified as a Variant of Uncertain Significance.

Literature cited by the submitters: PubMed 24138988; PubMed 27158844; PubMed 34929165.